The following is an entry in ClinVar:

NM_006914.4(RORB):c.1007A>G (p.Asp336Gly)

Gene: RORB (RAR related orphan receptor B; plus strand). Cytogenetic location: 9q21.13.
Variant type: single nucleotide variant.
Coding change: c.1007A>G on transcript NM_006914.4 (MANE Select); coding-DNA position 1007, A replaced by G.
Protein change: p.Asp336Gly; replaces aspartic acid 336 with glycine.
Molecular consequence: missense variant.
Genome position (GRCh38, 1-based): chr9:74,667,797, A>G. VCF-style: chr9-74667797-A-G. GRCh37 (hg19) VCF-style: chr9-77282713-A-G.
Other names: c.1040A>G, p.Asp347Gly (NM_001365023.1); short protein forms D336G, D347G.
Identifiers: ClinVar variation 2833855 (VCV002833855.3), dbSNP rs2489639383, ClinGen allele CA373771285.

ClinVar aggregate classification (germline): Uncertain significance (1 of 4 stars; one submission).

Submission:

Labcorp Genetics (formerly Invitae), Labcorp
Classification: Uncertain significance. Last evaluated: 2023-02-02. Review status: criteria provided, single submitter. Criteria: Invitae Variant Classification Sherloc (09022015). Collection method: clinical testing. Allele origin: germline.
Comment: This sequence change replaces aspartic acid, which is acidic and polar, with glycine, which is neutral and non-polar, at codon 336 of the RORB protein (p.Asp336Gly). This variant is not present in population databases (gnomAD no frequency). This variant has not been reported in the literature in individuals affected with RORB-related conditions. Algorithms developed to predict the effect of missense changes on protein structure and function are either unavailable or do not agree on the potential impact of this missense change (SIFT: "Deleterious"; PolyPhen-2: "Benign"; Align-GVGD: "Class C15"). In summary, the available evidence is currently insufficient to determine the role of this variant in disease. Therefore, it has been classified as a Variant of Uncertain Significance.